The following is an entry in ClinVar:

ClinVar aggregate classification (germline): Conflicting classifications of pathogenicity. Review status: criteria provided, conflicting classifications (1 of 4 stars). 4 submissions from 4 submitters: Uncertain significance (3); Likely benign (1). Last evaluated 2025-06-27.

Allele frequency attached by ClinVar (database versions not stated): gnomAD 0.00024 and 0.00029; TOPMed 0.00024; gnomAD exomes 0.00010 and 0.00003; ESP Exome Variant Server 0.00023; ExAC 0.00010.
gnomAD v4.1: 86 of 1,596,186 alleles (0.0054%); highest among the groups gnomAD compares: African/African-American, 0.067%; no homozygotes.

Submissions (4):

Women's Health and Genetics/Laboratory Corporation of America, LabCorp
Classification: Uncertain significance. Last evaluated: 2025-06-27. Review status: criteria provided, single submitter. Criteria: LabCorp Variant Classification Summary - May 2015. Collection method: clinical testing. Allele origin: germline.
Comment: Variant summary: STIL c.152+4T>C alters a nucleotide located close to a canonical splice site and therefore could affect mRNA splicing, leading to a significantly altered protein sequence. Consensus agreement among computation tools predict no significant impact on normal splicing. However, these predictions have yet to be confirmed by functional studies. The variant allele was found at a frequency of 9.6e-05 in 250846 control chromosomes. This frequency is not significantly higher than estimated for a pathogenic variant in STIL causing Microcephaly 7, Primary, Autosomal Recessive, allowing no conclusion about variant significance. To our knowledge, no occurrence of c.152+4T>C in individuals affected with Microcephaly 7, Primary, Autosomal Recessive and no experimental evidence demonstrating its impact on protein function have been reported. ClinVar contains an entry for this variant (Variation ID: 196356). Based on the evidence outlined above, the variant was classified as uncertain significance.

Labcorp Genetics (formerly Invitae), Labcorp
Classification: Uncertain significance. Last evaluated: 2022-03-29. Review status: criteria provided, single submitter. Criteria: Invitae Variant Classification Sherloc (09022015). Collection method: clinical testing. Allele origin: germline.
Comment: This sequence change falls in intron 3 of the STIL gene. It does not directly change the encoded amino acid sequence of the STIL protein. It affects a nucleotide within the consensus splice site. This variant is present in population databases (rs368201717, gnomAD 0.05%). This variant has not been reported in the literature in individuals affected with STIL-related conditions. ClinVar contains an entry for this variant (Variation ID: 196356). Variants that disrupt the consensus splice site are a relatively common cause of aberrant splicing (PMID: 17576681, 9536098). Algorithms developed to predict the effect of sequence changes on RNA splicing suggest that this variant is not likely to affect RNA splicing. In summary, the available evidence is currently insufficient to determine the role of this variant in disease. Therefore, it has been classified as a Variant of Uncertain Significance.

GeneDx
Classification: Likely benign. Last evaluated: 2019-12-10. Review status: criteria provided, single submitter. Criteria: GeneDx Variant Classification Process June 2021. Collection method: clinical testing. Allele origin: germline. Affected: yes.

Eurofins Ntd Llc (ga)
Classification: Uncertain significance. Last evaluated: 2014-12-18. Review status: criteria provided, single submitter. Criteria: EGL Classification Definitions 2015. Collection method: clinical testing. Allele origin: germline. Observed: 1 variant allele, 1 heterozygote.

Literature cited by the submitters: PubMed 17576681 (cited by Labcorp Genetics (formerly Invitae), Labcorp); PubMed 9536098 (cited by Labcorp Genetics (formerly Invitae), Labcorp).

NM_001048166.1(STIL):c.152+4T>C

Gene: STIL (STIL centriolar assembly protein; minus strand). Cytogenetic location: 1p33.
Variant type: single nucleotide variant.
Coding change: c.152+4T>C on transcript NM_001048166.1 (MANE Select); 4 bases into the intron after coding-DNA position 152, T replaced by C.
Molecular consequence: intron variant.
Genome position (GRCh38, 1-based): chr1:47,304,885, A>G on the plus strand (T>C on the coding strand, the complement: STIL is on the minus strand). VCF-style: chr1-47304885-A-G. GRCh37 (hg19) VCF-style: chr1-47770557-A-G.
Other names: c.152+4T>C (NM_003035.2, NM_001282939.1, NM_001282938.1 and 2 more transcripts).
Identifiers: ClinVar variation 196356 (VCV000196356.9), dbSNP rs368201717, ClinGen allele CA243282.